The following is an entry in ClinVar:

NM_000059.4(BRCA2):c.5153A>G (p.Asn1718Ser)

Gene: BRCA2 (BRCA2 DNA repair associated; plus strand). Cytogenetic location: 13q13.1.
Variant type: single nucleotide variant.
Coding change: c.5153A>G on transcript NM_000059.4 (MANE Select); coding-DNA position 5153, A replaced by G.
Protein change: p.Asn1718Ser; replaces asparagine 1718 with serine.
Molecular consequence: missense variant.
Genome position (GRCh38, 1-based): chr13:32,339,508, A>G. VCF-style: chr13-32339508-A-G. GRCh37 (hg19) VCF-style: chr13-32913645-A-G.
Other names: short protein forms N1718S.
Identifiers: ClinVar variation 126062 (VCV000126062.32), dbSNP rs80358739, ClinGen allele CA021401.

ClinVar aggregate classification (germline): Conflicting classifications of pathogenicity. Review status: criteria provided, conflicting classifications (1 of 4 stars). 11 submissions from 11 submitters: Uncertain significance (6); Likely benign (2). 3 of the submissions do not count toward it. Last evaluated 2025-11-11.

Conditions:
Hereditary cancer-predisposing syndrome. Also called: Tumor predisposition; Hereditary Cancer Syndrome; Neoplastic Syndromes, Hereditary; Hereditary neoplastic syndrome. Identifiers: Orphanet 140162, MedGen C0027672, MeSH D009386, MONDO:0015356.
Hereditary breast ovarian cancer syndrome. Also called: Hereditary breast and ovarian cancer; Hereditary breast and/or ovarian cancer syndrome; BRCA1- and BRCA2-Associated Hereditary Breast and Ovarian Cancer; Hereditary breast and ovarian cancer syndrome; Hereditary breast and ovarian cancer syndrome (HBOC); Breast and ovarian cancer. Identifiers: Orphanet 145, MedGen C0677776, MeSH D061325, MONDO:0003582. Disease mechanism: loss of function.
Breast-ovarian cancer, familial, susceptibility to, 2 (BROVCA2). Also called: BRCA2 Hereditary Breast and Ovarian Cancer. Identifiers: Orphanet 145, MedGen C2675520, MONDO:0012933, OMIM 612555. Disease mechanism: loss of function.

Allele frequency attached by ClinVar (database versions not stated): gnomAD exomes below 0.00001; gnomAD 0.00001; TOPMed 0.00003.

Submissions (11):

Labcorp Genetics (formerly Invitae), Labcorp
Classification: Uncertain significance for Hereditary breast ovarian cancer syndrome. Last evaluated: 2025-11-11. Review status: criteria provided, single submitter. Criteria: Invitae Variant Classification Sherloc (09022015). Collection method: clinical testing. Allele origin: germline.
Comment: This sequence change replaces asparagine, which is neutral and polar, with serine, which is neutral and polar, at codon 1718 of the BRCA2 protein (p.Asn1718Ser). This variant is present in population databases (rs80358739, gnomAD 0.004%). This missense change has been observed in individual(s) with breast and ovarian cancer (PMID: 32885271). ClinVar contains an entry for this variant (Variation ID: 126062). Invitae Evidence Modeling of protein sequence and biophysical properties (such as structural, functional, and spatial information, amino acid conservation, physicochemical variation, residue mobility, and thermodynamic stability) indicates that this missense variant is not expected to disrupt BRCA2 protein function with a negative predictive value of 95%. In summary, the available evidence is currently insufficient to determine the role of this variant in disease. Therefore, it has been classified as a Variant of Uncertain Significance.

Color Diagnostics, LLC DBA Color Health
Classification: Uncertain significance for Hereditary cancer-predisposing syndrome. Last evaluated: 2025-01-22. Review status: criteria provided, single submitter. Criteria: ACMG Guidelines, 2015. Collection method: clinical testing. Allele origin: germline.
Comment: This missense variant replaces asparagine with serine at codon 1718 of the BRCA2 protein. Computational prediction suggests that this variant may not impact protein structure and function. To our knowledge, functional studies have not been reported for this variant. This variant has been reported in two individuals with a personal or family history of BRCA2-related cancer and in an unaffected individual (PMID: 32885271, 33471991, 34063308). A multifactorial analysis has reported a likelihood ratio for pathogenicity based on personal and family history of 0.611 from log(LR)=-0.214278057 for 1 carrier (PMID: 31853058). This variant has been identified in 1/227032 chromosomes in the general population by the Genome Aggregation Database (gnomAD). The available evidence is insufficient to determine the role of this variant in disease conclusively. Therefore, this variant is classified as a Variant of Uncertain Significance.

Quest Diagnostics Nichols Institute San Juan Capistrano
Classification: Uncertain significance. Last evaluated: 2024-10-03. Review status: criteria provided, single submitter. Criteria: Quest Diagnostics criteria. Collection method: clinical testing. Allele origin: unknown.
Comment: The BRCA2 c.5153A>G (p.Asn1718Ser) variant has been reported in the published literature in an individual with a family history of breast and/or ovarian cancer (PMID: 32885271 (2021)), as well as in a reportedly healthy individual in a large scale breast cancer association study (PMID: 33471991 (2021), see also LOVD). Additionally, this variant has been reported to be located in a region of the BRCA2 gene that is tolerant to missense sequence changes (PMID: 31911673 (2020)). The frequency of this variant in the general population, 0.0000044 (1/227032 chromosomes (Genome Aggregation Database)), is uninformative in the assessment of its pathogenicity. Analysis of this variant using bioinformatics tools for the prediction of the effect of amino acid changes on protein structure and function yielded predictions that this variant is benign. Based on the available information, we are unable to determine the clinical significance of this variant.

Women's Health and Genetics/Laboratory Corporation of America, LabCorp
Classification: Uncertain significance. Last evaluated: 2024-04-26. Review status: criteria provided, single submitter. Criteria: LabCorp Variant Classification Summary - May 2015. Collection method: clinical testing. Allele origin: germline.
Comment: Variant summary: BRCA2 c.5153A>G (p.Asn1718Ser) results in a conservative amino acid change in the encoded protein sequence. Five of five in-silico tools predict a benign effect of the variant on protein function. The variant allele was found at a frequency of 4.4e-06 in 227032 control chromosomes. The available data on variant occurrences in the general population are insufficient to allow any conclusion about variant significance. c.5153A>G has been reported as a VUS in the literature in a population-based screen of Korean individuals with and without cancer (Park_2021). This report does not provide unequivocal conclusions about association of the variant with Hereditary Breast And Ovarian Cancer Syndrome. To our knowledge, no experimental evidence demonstrating an impact on protein function has been reported. ClinVar contains an entry for this variant (Variation ID: 126062). Based on the evidence outlined above, the variant was classified as uncertain significance.

GeneDx
Classification: Uncertain significance. Last evaluated: 2024-03-29. Review status: criteria provided, single submitter. Criteria: GeneDx Variant Classification Process June 2021. Collection method: clinical testing. Allele origin: germline. Affected: yes.
Comment: Observed in individuals with personal or family history of breast and/or ovarian cancer and also in unaffected controls (PMID: 34063308, 33471991, 32885271); In silico analysis supports that this missense variant does not alter protein structure/function; Not observed at significant frequency in large population cohorts (gnomAD); Also known as 5381A>G; This variant is associated with the following publications: (PMID: 31911673, 29884841, 32377563, 25348012, 33471991, 34063308, 32885271)

All of Us Research Program, National Institutes of Health
Classification: Uncertain significance for Breast-ovarian cancer, familial, susceptibility to, 2. Last evaluated: 2024-01-11. Review status: criteria provided, single submitter. Criteria: ACMG Guidelines, 2015. Collection method: clinical testing. Allele origin: germline. Inheritance: Autosomal dominant inheritance. Observed: 2 variant alleles, 2 heterozygotes.
Comment: This missense variant replaces asparagine with serine at codon 1718 of the BRCA2 protein. Computational prediction suggests that this variant may not impact protein structure and function (internally defined REVEL score threshold <= 0.5, PMID: 27666373). To our knowledge, functional studies have not been reported for this variant. This variant has been reported in two individuals with a personal or family history of BRCA2-related cancer and in an unaffected individual (PMID: 32885271, 33471991, 34063308). This variant has been identified in 1/227032 chromosomes in the general population by the Genome Aggregation Database (gnomAD). The available evidence is insufficient to determine the role of this variant in disease conclusively. Therefore, this variant is classified as a Variant of Uncertain Significance.

This study involves interpretation of variants in research participants for the purpose of population health screening. Participant phenotype was not available at the time of variant classification. Additional details can be found in publication PMID: 35346344, PMCID: PMC8962531

University of Washington Department of Laboratory Medicine, University of Washington
Classification: Likely benign for Hereditary cancer-predisposing syndrome. Last evaluated: 2023-03-23. Review status: criteria provided, single submitter. Criteria: Dines et al. (Genet Med. 2020). Collection method: curation. Allele origin: germline.
Comment: Missense variant in a coldspot region where missense variants are very unlikely to be pathogenic (PMID:31911673).

BRCA2 exon 11 coldspot. Reclassification based on statistical prior probability.

Ambry Genetics
Classification: Likely benign for Hereditary cancer-predisposing syndrome. Last evaluated: 2017-06-29. Review status: criteria provided, single submitter. Criteria: Ambry Variant Classification Scheme 2023. Collection method: clinical testing. Allele origin: germline.

Counsyl
Classification: Uncertain significance for Breast-ovarian cancer, familial, susceptibility to, 2. Last evaluated: 2017-01-24. Review status: no assertion criteria provided. Collection method: clinical testing. Allele origin: unknown. Not counted in ClinVar's aggregate classification.

Breast Cancer Information Core (BIC) (BRCA2)
Classification: Uncertain significance for Breast-ovarian cancer, familial 2. Last evaluated: 2003-12-23. Review status: no assertion criteria provided. Collection method: clinical testing. Allele origin: germline. Affected: yes. Observed: 1 variant allele. Not counted in ClinVar's aggregate classification.

Department of Pathology and Laboratory Medicine, Sinai Health System
Classification: Uncertain significance. Review status: no assertion criteria provided. Collection method: clinical testing. Allele origin: unknown. Affected: yes. Observed: 1 variant allele. Study: The Canadian Open Genetics Repository (COGR). Not counted in ClinVar's aggregate classification.
Comment: The BRCA2 p.Asn1718Ser variant was not identified in the literature nor was it identified in the LOVD 3.0 database. The variant was identified in dbSNP (ID: rs80358739) as "With Uncertain significance allele", ClinVar (classified as likely benign by Ambry Genetics; and as uncertain significance by GeneDx, Counsyl and BIC), and in UMD-LSDB (1x as unclassified variant). The variant was identified in control databases in 1 of 223044 chromosomes at a frequency of 0.000004 (Genome Aggregation Database Feb 27, 2017). The variant was observed in the Latino population in 1 of 27662 chromosomes (freq: 0.00004), while the variant was not observed in the African, Other, European, Ashkenazi Jewish, East Asian, Finnish, or South Asian populations. The p.Asn1718 residue is not conserved in mammals and computational analyses (PolyPhen-2, SIFT, AlignGVGD, BLOSUM, MutationTaster) do not suggest a high likelihood of impact to the protein; however, this information is not predictive enough to rule out pathogenicity. The variant occurs outside of the splicing consensus sequence and 2 of 4 in silico or computational prediction software programs (SpliceSiteFinder, MaxEntScan, NNSPLICE, GeneSplicer) predict a greater than 10% difference in splicing; this is not very predictive of pathogenicity. In summary, based on the above information, the clinical significance of this variant cannot be determined with certainty at this time. This variant is classified as a variant of uncertain significance.

Literature cited by the submitters: PubMed 32885271 (cited by 4 submitters); PubMed 31853058 (cited by Color Diagnostics, LLC DBA Color Health); PubMed 33471991 (cited by 3 submitters); PubMed 34063308 (cited by 4 submitters); PubMed 31911673 (cited by Quest Diagnostics Nichols Institute San Juan Capistrano); PubMed 25348012 (cited by Quest Diagnostics Nichols Institute San Juan Capistrano).